The following is an entry in ClinVar:

NM_000275.3(OCA2):c.1670C>T (p.Thr557Ile)

Gene: OCA2 (OCA2 melanosomal transmembrane protein; minus strand). Cytogenetic location: 15q13.1.
Variant type: single nucleotide variant.
Coding change: c.1670C>T on transcript NM_000275.3 (MANE Select); coding-DNA position 1670, C replaced by T.
Protein change: p.Thr557Ile; replaces threonine 557 with isoleucine.
Molecular consequence: missense variant.
Genome position (GRCh38, 1-based): chr15:27,957,702, G>A on the plus strand (C>T on the coding strand, the complement: OCA2 is on the minus strand). VCF-style: chr15-27957702-G-A. GRCh37 (hg19) VCF-style: chr15-28202848-G-A.
Other names: c.1598C>T, p.Thr533Ile (NM_001300984.2); short protein forms T557I, T533I.
Identifiers: ClinVar variation 1509655 (VCV001509655.6), dbSNP rs775106432, ClinGen allele CA391365971.
Genomic context (GRCh38, chr15:27,957,702, plus strand): 5'-CCCAGCAGCAGGCGGCGCACAGCTGTCTCCTCGCGGCTGGCCGGGCTGATGCGCTGAGCA[G>A]TCAGGCGCCAGACGTGAATCTCGTGCTTCAGTTCTGCAGAGAAAGGAAGGCGAAGCTTGG-3'
Protein context (NP_000266.2, residues 547-567): LKHEIHVWRL[Thr557Ile]AQRISPASRE

ClinVar aggregate classification (germline): Uncertain significance (1 of 4 stars; one submission).

gnomAD v4.1: 1 of 1,613,168 alleles (0.000062%); highest among the groups gnomAD compares: South Asian, 0.0011%; no homozygotes.

Submission:

Labcorp Genetics (formerly Invitae), Labcorp
Classification: Uncertain significance. Last evaluated: 2021-08-09. Review status: criteria provided, single submitter. Criteria: Invitae Variant Classification Sherloc (09022015). Collection method: clinical testing. Allele origin: germline.
Comment: In summary, the available evidence is currently insufficient to determine the role of this variant in disease. Therefore, it has been classified as a Variant of Uncertain Significance. Algorithms developed to predict the effect of missense changes on protein structure and function are either unavailable or do not agree on the potential impact of this missense change (SIFT: "Deleterious"; PolyPhen-2: "Probably Damaging"; Align-GVGD: "Class C0"). This variant has not been reported in the literature in individuals affected with OCA2-related conditions. This variant is not present in population databases (ExAC no frequency). This sequence change replaces threonine with isoleucine at codon 557 of the OCA2 protein (p.Thr557Ile). The threonine residue is highly conserved and there is a moderate physicochemical difference between threonine and isoleucine.